The following is an entry in ClinVar:

ClinVar aggregate classification (germline): Uncertain significance (1 of 4 stars; one submission).

gnomAD v4.1: 3 of 1,555,118 alleles (0.00019%); highest among the groups gnomAD compares: African/African-American, 0.0014%; no homozygotes.

Submission:

Labcorp Genetics (formerly Invitae), Labcorp
Classification: Uncertain significance. Last evaluated: 2024-04-25. Review status: criteria provided, single submitter. Criteria: Invitae Variant Classification Sherloc (09022015). Collection method: clinical testing. Allele origin: germline.
Comment: This sequence change falls in intron 12 of the CDH2 gene. It does not directly change the encoded amino acid sequence of the CDH2 protein. It affects a nucleotide within the consensus splice site. This variant is present in population databases (rs754392614, gnomAD 0.007%). This variant has not been reported in the literature in individuals affected with CDH2-related conditions. Variants that disrupt the consensus splice site are a relatively common cause of aberrant splicing (PMID: 17576681, 9536098). Algorithms developed to predict the effect of sequence changes on RNA splicing suggest that this variant is not likely to affect RNA splicing. In summary, the available evidence is currently insufficient to determine the role of this variant in disease. Therefore, it has been classified as a Variant of Uncertain Significance.

Literature cited by the submitters: PubMed 17576681; PubMed 9536098.

NM_001792.5(CDH2):c.1976-3T>C

Gene: CDH2 (cadherin 2; minus strand). Cytogenetic location: 18q12.1.
Variant type: single nucleotide variant.
Coding change: c.1976-3T>C on transcript NM_001792.5 (MANE Select); 3 bases into the intron before coding-DNA position 1976, T replaced by C.
Molecular consequence: intron variant.
Genome position (GRCh38, 1-based): chr18:27,985,236, A>G on the plus strand (T>C on the coding strand, the complement: CDH2 is on the minus strand). VCF-style: chr18-27985236-A-G. GRCh37 (hg19) VCF-style: chr18-25565200-A-G.
Other names: c.1883-3T>C (NM_001308176.2).
Identifiers: ClinVar variation 3695010 (VCV003695010.2).